The following is an entry in ClinVar:

ClinVar aggregate classification (germline): Conflicting classifications of pathogenicity. Review status: criteria provided, conflicting classifications (1 of 4 stars). 7 submissions from 7 submitters: Uncertain significance (1); Benign (2); Likely benign (2). 2 of the submissions do not count toward it. Last evaluated 2026-06-01.

Allele frequency attached by ClinVar (database versions not stated): gnomAD exomes 0.00059 and 0.00089; ESP Exome Variant Server 0.00069; 1000 Genomes Project 0.00080; gnomAD 0.00092 and 0.00106; 1000 Genomes Project 30x 0.00094; TOPMed 0.00128; ExAC 0.00052.

Submissions (7):

CeGaT Center for Human Genetics Tuebingen
Classification: Likely benign. Last evaluated: 2026-06-01. Review status: criteria provided, single submitter. Criteria: CeGaT Center For Human Genetics Tuebingen Variant Classification Criteria Version 2. Collection method: clinical testing. Allele origin: germline. Affected: yes. Observed: 1 variant allele.
Comment: FGFR3: BP4, BP7

Labcorp Genetics (formerly Invitae), Labcorp
Classification: Benign. Last evaluated: 2026-01-17. Review status: criteria provided, single submitter. Criteria: Invitae Variant Classification Sherloc (09022015). Collection method: clinical testing. Allele origin: germline.

Blueprint Genetics
Classification: Likely benign. Last evaluated: 2024-10-25. Review status: criteria provided, single submitter. Criteria: ACMG Guidelines, 2015. Collection method: clinical testing. Allele origin: germline.

GeneDx
Classification: Benign. Last evaluated: 2018-04-30. Review status: criteria provided, single submitter. Criteria: GeneDx Variant Classification (06012015). Collection method: clinical testing. Allele origin: germline. Affected: yes.
Comment: This variant is considered likely benign or benign based on one or more of the following criteria: it is a conservative change, it occurs at a poorly conserved position in the protein, it is predicted to be benign by multiple in silico algorithms, and/or has population frequency not consistent with disease.

Eurofins Ntd Llc (ga)
Classification: Uncertain significance. Last evaluated: 2016-06-07. Review status: criteria provided, single submitter. Criteria: EGL Classification Definitions 2015. Collection method: clinical testing. Allele origin: germline. Observed: 2 variant alleles, 2 heterozygotes.

Clinical Genetics DNA and cytogenetics Diagnostics Lab, Erasmus MC, Erasmus Medical Center
Classification: Likely benign. Review status: no assertion criteria provided. Collection method: clinical testing. Allele origin: germline. Affected: yes. Study: VKGL Data-share Consensus. Not counted in ClinVar's aggregate classification.

Laboratory of Diagnostic Genome Analysis, Leiden University Medical Center (LUMC)
Classification: Likely benign. Review status: no assertion criteria provided. Collection method: clinical testing. Allele origin: germline. Affected: yes. Study: VKGL Data-share Consensus. Not counted in ClinVar's aggregate classification.

NM_000142.5(FGFR3):c.1497C>T (p.Ala499=)

Gene: FGFR3 (fibroblast growth factor receptor 3; plus strand). Cytogenetic location: 4p16.3.
Variant type: single nucleotide variant.
Coding change: c.1497C>T on transcript NM_000142.5 (MANE Select); coding-DNA position 1497, C replaced by T.
Protein change: p.Ala499=; no amino-acid change (alanine 499 retained).
Molecular consequence: synonymous variant. On other transcripts: non-coding transcript variant (1).
Genome position (GRCh38, 1-based): chr4:1,805,439, C>T. VCF-style: chr4-1805439-C-T. GRCh37 (hg19) VCF-style: chr4-1807166-C-T.
Other names: c.1503C>T, p.Ala501= (NM_001163213.2); c.1500C>T, p.Ala500= (NM_001354809.2, NM_001354810.2); c.1161C>T, p.Ala387= (NM_022965.4).
Identifiers: ClinVar variation 287881 (VCV000287881.59), dbSNP rs140594137, ClinGen allele CA2810414.